The following is an entry in ClinVar:

NM_000052.7(ATP7A):c.182C>T (p.Thr61Ile)

Gene: ATP7A (ATPase copper transporting alpha; plus strand). Cytogenetic location: Xq21.1.
Variant type: single nucleotide variant.
Coding change: c.182C>T on transcript NM_000052.7 (MANE Select); coding-DNA position 182, C replaced by T.
Protein change: p.Thr61Ile; replaces threonine 61 with isoleucine.
Molecular consequence: missense variant.
Genome position (GRCh38, 1-based): chrX:77,988,303, C>T. VCF-style: chrX-77988303-C-T. GRCh37 (hg19) VCF-style: chrX-77243799-C-T.
Other names: c.182C>T, p.Thr61Ile (NM_001282224.2); short protein forms T61I.
Identifiers: ClinVar variation 2952147 (VCV002952147.3), dbSNP rs1293902838, ClinGen allele CA413598936.

ClinVar aggregate classification (germline): Uncertain significance (1 of 4 stars; one submission).

Conditions:
Menkes kinky-hair syndrome (MNK). Also called: Classic Menkes Disease; Copper transport disease; Menkes Disease. Identifiers: Orphanet 565, MedGen C0022716, MONDO:0010651, OMIM 309400.
Cutis laxa, X-linked (OHS). Also called: EDS IX; Occipital horn syndrome. Identifiers: Orphanet 198, MedGen C0268353, MONDO:0010572, OMIM 304150.
X-linked distal spinal muscular atrophy type 3. Also called: ATP7A-Related Distal Motor Neuropathy; SPINAL MUSCULAR ATROPHY, DISTAL, X-LINKED RECESSIVE; NEURONOPATHY, DISTAL HEREDITARY MOTOR, X-LINKED; NEUROPATHY, DISTAL HEREDITARY MOTOR, X-LINKED. Identifiers: Orphanet 139557, MedGen C1845359, MONDO:0010338, OMIM 300489.

Allele frequency attached by ClinVar (database versions not stated): TOPMed below 0.00001; gnomAD 0.00001.
gnomAD v4.1: 1 of 1,200,133 alleles (0.000083%); highest among the groups gnomAD compares: Non-Finnish European, 0.00011%; no homozygotes.

Submission:

Labcorp Genetics (formerly Invitae), Labcorp
Classification: Uncertain significance for X-linked distal spinal muscular atrophy type 3; Cutis laxa, X-linked; Menkes kinky-hair syndrome. Last evaluated: 2023-09-22. Review status: criteria provided, single submitter. Criteria: Invitae Variant Classification Sherloc (09022015). Collection method: clinical testing. Allele origin: germline.
Comment: This variant has not been reported in the literature in individuals affected with ATP7A-related conditions. Advanced modeling of protein sequence and biophysical properties (such as structural, functional, and spatial information, amino acid conservation, physicochemical variation, residue mobility, and thermodynamic stability) performed at Invitae indicates that this missense variant is not expected to disrupt ATP7A protein function. In summary, the available evidence is currently insufficient to determine the role of this variant in disease. Therefore, it has been classified as a Variant of Uncertain Significance. This sequence change replaces threonine, which is neutral and polar, with isoleucine, which is neutral and non-polar, at codon 61 of the ATP7A protein (p.Thr61Ile). This variant is not present in population databases (gnomAD no frequency).